The following is an entry in ClinVar:

NM_000127.3(EXT1):c.154G>T (p.Asp52Tyr)

Gene: EXT1 (exostosin glycosyltransferase 1; minus strand). Cytogenetic location: 8q24.11.
Variant type: single nucleotide variant.
Coding change: c.154G>T on transcript NM_000127.3 (MANE Select); coding-DNA position 154, G replaced by T.
Protein change: p.Asp52Tyr; replaces aspartic acid 52 with tyrosine.
Molecular consequence: missense variant.
Genome position (GRCh38, 1-based): chr8:118,110,893, C>A on the plus strand (G>T on the coding strand, the complement: EXT1 is on the minus strand). VCF-style: chr8-118110893-C-A. GRCh37 (hg19) VCF-style: chr8-119123132-C-A.
Other names: short protein forms D52Y.
Identifiers: ClinVar variation 2418651 (VCV002418651.7), dbSNP rs371717237, ClinGen allele CA4854407.

ClinVar aggregate classification (germline): Uncertain significance. Review status: criteria provided, multiple submitters, no conflicts (2 of 4 stars). 2 submissions from 2 submitters: Uncertain significance (2). Last evaluated 2026-04-06.

Conditions:
Inborn genetic diseases. Identifiers: MedGen C0950123, MeSH D030342.
Multiple congenital exostosis (EXT). Also called: Multiple exostoses; MULTIPLE CARTILAGINOUS EXOSTOSES; Hereditary multiple exostoses; Hereditary multiple exostosis; Multiple osteochondromas; Hereditary multiple osteochondromas. Identifiers: Orphanet 321, MedGen C0015306, MONDO:0005508, HP:0002762.

Allele frequency attached by ClinVar (database versions not stated): ExAC 0.00001; gnomAD 0.00001; gnomAD exomes 0.00001; TOPMed 0.00001; ESP Exome Variant Server 0.00008.
gnomAD v4.1: 4 of 1,613,770 alleles (0.00025%); highest among the groups gnomAD compares: Non-Finnish European, 0.00034%; no homozygotes.

Submissions (2):

Ambry Genetics
Classification: Uncertain significance for Inborn genetic diseases. Last evaluated: 2026-04-06. Review status: criteria provided, single submitter. Criteria: Ambry Variant Classification Scheme 2023. Collection method: clinical testing. Allele origin: germline.

Labcorp Genetics (formerly Invitae), Labcorp
Classification: Uncertain significance for Multiple congenital exostosis. Last evaluated: 2022-08-10. Review status: criteria provided, single submitter. Criteria: Invitae Variant Classification Sherloc (09022015). Collection method: clinical testing. Allele origin: germline.
Comment: Advanced modeling of protein sequence and biophysical properties (such as structural, functional, and spatial information, amino acid conservation, physicochemical variation, residue mobility, and thermodynamic stability) performed at Invitae indicates that this missense variant is not expected to disrupt EXT1 protein function. In summary, the available evidence is currently insufficient to determine the role of this variant in disease. Therefore, it has been classified as a Variant of Uncertain Significance. This variant has not been reported in the literature in individuals affected with EXT1-related conditions. This variant is present in population databases (rs371717237, gnomAD 0.0009%). This sequence change replaces aspartic acid, which is acidic and polar, with tyrosine, which is neutral and polar, at codon 52 of the EXT1 protein (p.Asp52Tyr).